The following is an entry in ClinVar:

ClinVar aggregate classification (germline): Uncertain significance. Review status: criteria provided, single submitter (1 of 4 stars). 2 submissions from 2 submitters: Uncertain significance (1). 1 of the submissions does not count toward it. Last evaluated 2022-06-10.

Conditions:
Juvenile onset Parkinson disease 19A. Also called: DNAJC6 Parkinson Disease; PARK19. Identifiers: Orphanet 391411, MedGen C3809811, MONDO:0014231, OMIM 615528.

Allele frequency attached by ClinVar (database versions not stated): gnomAD 0.00001; ExAC 0.00002; gnomAD exomes 0.00002 and 0.00005; TOPMed 0.00004; ESP Exome Variant Server 0.00008.
gnomAD v4.1: 76 of 1,613,864 alleles (0.0047%); highest among the groups gnomAD compares: South Asian, 0.016%; 1 homozygote.

Submissions (2):

Blueprint Genetics
Classification: Uncertain significance. Last evaluated: 2022-06-10. Review status: criteria provided, single submitter. Criteria: ACMG Guidelines, 2015. Collection method: clinical testing. Allele origin: germline.

GeneReviews
No classification provided. Condition: Juvenile onset Parkinson disease 19A. Review status: no classification provided. Collection method: literature only. Allele origin: germline. Not counted in ClinVar's aggregate classification.
Comment: Early-onset parkinsonism

Literature cited by the submitters: PubMed 32662538 (cited by GeneReviews); PubMed 33983693 (cited by GeneReviews).

NM_001256864.2(DNAJC6):c.2687C>T (p.Thr896Met)

Gene: DNAJC6 (DnaJ heat shock protein family (Hsp40) member C6; plus strand). Cytogenetic location: 1p31.3.
Variant type: single nucleotide variant.
Coding change: c.2687C>T on transcript NM_001256864.2 (MANE Select); coding-DNA position 2687, C replaced by T.
Protein change: p.Thr896Met; replaces threonine 896 with methionine.
Molecular consequence: missense variant.
Genome position (GRCh38, 1-based): chr1:65,411,302, C>T. VCF-style: chr1-65411302-C-T. GRCh37 (hg19) VCF-style: chr1-65876985-C-T.
Other names: c.2477C>T, p.Thr826Met (NM_001256865.2); c.2516C>T, p.Thr839Met (NM_014787.4); short protein forms T826M, T839M, T896M.
Identifiers: ClinVar variation 1098747 (VCV001098747.3), dbSNP rs200138922, ClinGen allele CA894213.
Genomic context (GRCh38, chr1:65,411,302, plus strand): 5'-GTTTACAGATTCTGGAATGGATTGAAGGCAAAGAAAGAAATATCAGAGCCCTTCTTTCCA[C>T]GATGCATACCGTACTATGGGCTGGGGAGACCAAGTGGAAACCAGTTGGCATGGCAGACCT-3'
Protein context (NP_001243793.1, residues 886-906): KERNIRALLS[Thr896Met]MHTVLWAGET